The following continues an entry in ClinVar:

NM_000051.4(ATM):c.2096A>G (p.Glu699Gly)

Gene: ATM. ClinVar aggregate classification (germline): Benign/Likely benign. Benign (5); Likely benign (10).

Submissions 17 to 19 of 19:

Natera, Inc.
Classification: Uncertain significance for Ataxia-telangiectasia. Last evaluated: 2020-04-16. Review status: no assertion criteria provided. Collection method: clinical testing. Allele origin: germline. Not counted in ClinVar's aggregate classification.

Counsyl
Classification: Uncertain significance for Ataxia-telangiectasia syndrome. Last evaluated: 2018-04-30. Review status: no assertion criteria provided. Collection method: clinical testing. Allele origin: unknown. Not counted in ClinVar's aggregate classification.

Department of Pathology and Laboratory Medicine, Sinai Health System
Classification: Uncertain significance for Malignant tumor of breast. Review status: no assertion criteria provided. Collection method: clinical testing. Allele origin: unknown. Affected: yes. Study: The Canadian Open Genetics Repository (COGR). Not counted in ClinVar's aggregate classification.
Comment: The ATM p.Glu699Gly variant was identified in 4 of 9322 proband chromosomes (frequency: 0.0004) from individuals or families with endometrial cancer, breast cancer or Lynch syndrome and was present in 1 of 4490 control chromosomes (frequency: 0.0002) from healthy individuals (Ring 2016, Tavtigian 2009, Tung 2016, Yurgelun 2015). The variant was also identified in dbSNP (ID: rs147934285) as "With other allele", ClinVar (classified as benign by Ambry Genetics and EGL; as likely benign by GeneDx and two other submitters; and as uncertain significance by Invitae, Integrated Genetics/Laboratory Corporation of America and Counsyl). The variant was not identified in LOVD 3.0. The variant was identified in 65 of 276878 chromosomes at a frequency of 0.0002 (Genome Aggregation Database Feb 27, 2017). The variant was observed in the following populations: African in 51 of 24024 chromosomes (freq: 0.002), Other in 1 of 6460 chromosomes (freq: 0.0002), Latino in 11 of 34400 chromosomes (freq: 0.0003), European in 2 of 126504 chromosomes (freq: 0.00002); it was not observed in the Ashkenazi Jewish, East Asian, Finnish, or South Asian populations. The p.Glu699 residue is conserved in mammals but not in more distantly related organisms, and 5 of 5 computational analyses (PolyPhen-2, SIFT, AlignGVGD, BLOSUM, MutationTaster) suggest that the variant may impact the protein; however, this information is not predictive enough to assume pathogenicity. The variant occurs outside of the splicing consensus sequence and in silico or computational prediction software programs (SpliceSiteFinder, MaxEntScan, NNSPLICE, GeneSplicer) do not predict a difference in splicing. In summary, based on the above information, the clinical significance of this variant cannot be determined with certainty at this time. This variant is classified as a variant of uncertain significance.

Literature cited by the submitters: PubMed 23555315 (cited by Women's Health and Genetics/Laboratory Corporation of America, LabCorp and Counsyl); PubMed 25980754 (cited by Women's Health and Genetics/Laboratory Corporation of America, LabCorp and Quest Diagnostics Nichols Institute San Juan Capistrano); PubMed 19781682 (cited by 4 submitters); PubMed 17333338 (cited by Women's Health and Genetics/Laboratory Corporation of America, LabCorp and Quest Diagnostics Nichols Institute San Juan Capistrano); PubMed 26976419 (cited by Women's Health and Genetics/Laboratory Corporation of America, LabCorp and Quest Diagnostics Nichols Institute San Juan Capistrano); PubMed 27443514 (cited by Women's Health and Genetics/Laboratory Corporation of America, LabCorp and Quest Diagnostics Nichols Institute San Juan Capistrano); PubMed 27978560 (cited by Women's Health and Genetics/Laboratory Corporation of America, LabCorp and Quest Diagnostics Nichols Institute San Juan Capistrano); PubMed 28135145 (cited by Women's Health and Genetics/Laboratory Corporation of America, LabCorp and Quest Diagnostics Nichols Institute San Juan Capistrano); PubMed 28726808 (cited by Women's Health and Genetics/Laboratory Corporation of America, LabCorp and Quest Diagnostics Nichols Institute San Juan Capistrano); PubMed 35039564 (cited by Women's Health and Genetics/Laboratory Corporation of America, LabCorp); PubMed 36898365 (cited by Women's Health and Genetics/Laboratory Corporation of America, LabCorp); PubMed 25085752 (cited by Myriad Genetics, Inc.); PubMed 26837699 (cited by Quest Diagnostics Nichols Institute San Juan Capistrano); PubMed 33471991 (cited by Quest Diagnostics Nichols Institute San Juan Capistrano); PubMed 32906206 (cited by Quest Diagnostics Nichols Institute San Juan Capistrano).